The following is an entry in ClinVar:

ClinVar aggregate classification (germline): Uncertain significance. Review status: criteria provided, multiple submitters, no conflicts (2 of 4 stars). 2 submissions from 2 submitters: Uncertain significance (2). Last evaluated 2025-11-19.

Conditions:
Neuropathy, hereditary sensory and autonomic, type 2A (HSAN2A). Also called: MORVAN DISEASE; NEUROPATHY, CONGENITAL SENSORY; NEUROPATHY, HEREDITARY SENSORY RADICULAR, AUTOSOMAL RECESSIVE; NEUROPATHY, HEREDITARY SENSORY, TYPE IIA; NEUROPATHY, PROGRESSIVE SENSORY, OF CHILDREN; WNK1-Related HSAN2 (HSAN2A). Identifiers: Orphanet 970, MedGen C2752089, MONDO:0024309, OMIM 201300.
Pseudohypoaldosteronism type 2C (PHA2C). Also called: Pseudohypoaldosteronism Type IIC. Identifiers: Orphanet 757, Orphanet 88940, MedGen C1840391, MONDO:0013778, OMIM 614492.

Allele frequency attached by ClinVar (database versions not stated): TOPMed below 0.00001; gnomAD 0.00001; gnomAD exomes 0.00001.
gnomAD v4.1: 9 of 1,613,772 alleles (0.00056%); highest among the groups gnomAD compares: Admixed American, 0.0017%; no homozygotes.

Submissions (2):

Labcorp Genetics (formerly Invitae), Labcorp
Classification: Uncertain significance for Neuropathy, hereditary sensory and autonomic, type 2A; Pseudohypoaldosteronism type 2C. Last evaluated: 2025-11-19. Review status: criteria provided, single submitter. Criteria: Invitae Variant Classification Sherloc (09022015). Collection method: clinical testing. Allele origin: germline.
Comment: This sequence change replaces arginine, which is basic and polar, with tryptophan, which is neutral and slightly polar, at codon 1078 of the WNK1 protein (p.Arg1078Trp). This variant is not present in population databases (gnomAD no frequency). This variant has not been reported in the literature in individuals affected with WNK1-related conditions. ClinVar contains an entry for this variant (Variation ID: 945758). Invitae Evidence Modeling of protein sequence and biophysical properties (such as structural, functional, and spatial information, amino acid conservation, physicochemical variation, residue mobility, and thermodynamic stability) indicates that this missense variant is not expected to disrupt WNK1 protein function with a negative predictive value of 95%. In summary, the available evidence is currently insufficient to determine the role of this variant in disease. Therefore, it has been classified as a Variant of Uncertain Significance.

GeneDx
Classification: Uncertain significance. Last evaluated: 2022-01-25. Review status: criteria provided, single submitter. Criteria: GeneDx Variant Classification Process June 2021. Collection method: clinical testing. Allele origin: germline. Affected: yes.
Comment: Not observed at significant frequency in large population cohorts (gnomAD); In silico analysis supports that this missense variant does not alter protein structure/function; Has not been previously published as pathogenic or benign to our knowledge

NM_213655.5(WNK1):c.3232C>T (p.Arg1078Trp)

Gene: WNK1 (WNK lysine deficient protein kinase 1; plus strand). Cytogenetic location: 12p13.33.
Variant type: single nucleotide variant.
Coding change: c.3232C>T on transcript NM_213655.5 (MANE Plus Clinical); coding-DNA position 3232, C replaced by T.
Protein change: p.Arg1078Trp; replaces arginine 1078 with tryptophan.
Molecular consequence: missense variant. On other transcripts: intron variant (2).
Genome position (GRCh38, 1-based): chr12:868,703, C>T. VCF-style: chr12-868703-C-T. GRCh37 (hg19) VCF-style: chr12-977869-C-T.
Other names: c.2977C>T, p.Arg993Trp (NM_001184985.2); c.2140-2562C>T (NM_018979.4, NM_014823.3); short protein forms R1078W, R993W.
Identifiers: ClinVar variation 945758 (VCV000945758.11), dbSNP rs1383005865, ClinGen allele CA383341633.